The following is an entry in ClinVar:

ClinVar aggregate classification (germline): Uncertain significance (1 of 4 stars; one submission).

Conditions:
Inborn genetic diseases. Identifiers: MedGen C0950123, MeSH D030342.

Submission:

Ambry Genetics
Classification: Uncertain significance for Inborn genetic diseases. Last evaluated: 2025-06-12. Review status: criteria provided, single submitter. Criteria: Ambry Variant Classification Scheme 2023. Collection method: clinical testing. Allele origin: germline.
Comment: The p.P478A variant (also known as c.1432C>G), located in coding exon 7 of the SH2B3 gene, results from a C to G substitution at nucleotide position 1432. The proline at codon 478 is replaced by alanine, an amino acid with highly similar properties. This amino acid position is conserved. In addition, the in silico prediction for this alteration is inconclusive. Based on the available evidence, the clinical significance of this variant remains unclear.

NM_005475.3(SH2B3):c.1432C>G (p.Pro478Ala)

Gene: SH2B3 (SH2B adaptor protein 3; plus strand). Cytogenetic location: 12q24.12.
Variant type: single nucleotide variant.
Coding change: c.1432C>G on transcript NM_005475.3 (MANE Select); coding-DNA position 1432, C replaced by G.
Protein change: p.Pro478Ala; replaces proline 478 with alanine.
Molecular consequence: missense variant.
Genome position (GRCh38, 1-based): chr12:111,448,006, C>G. VCF-style: chr12-111448006-C-G. GRCh37 (hg19) VCF-style: chr12-111885810-C-G.
Other names: c.826C>G, p.Pro276Ala (NM_001291424.1); short protein forms P276A, P478A.
Identifiers: ClinVar variation 3953567 (VCV003953567.1).